The following is an entry in ClinVar:

ClinVar aggregate classification (germline): Uncertain significance (1 of 4 stars; one submission).

Submission:

Ambry Genetics
Classification: Uncertain significance. Last evaluated: 2021-12-10. Review status: criteria provided, single submitter. Criteria: Ambry Variant Classification Scheme 2023. Collection method: clinical testing. Allele origin: germline.
Comment: The p.N209H variant (also known as c.625A>C), located in coding exon 4 of the MNDA gene, results from an A to C substitution at nucleotide position 625. The asparagine at codon 209 is replaced by histidine, an amino acid with similar properties. This amino acid position is conserved. In addition, this alteration is predicted to be tolerated by in silico analysis. Since supporting evidence is limited at this time, the clinical significance of this alteration remains unclear.

NM_002432.3(MNDA):c.625A>C (p.Asn209His)

Gene: MNDA (myeloid cell nuclear differentiation antigen; plus strand). Cytogenetic location: 1q23.1.
Variant type: single nucleotide variant.
Coding change: c.625A>C on transcript NM_002432.3 (MANE Select); coding-DNA position 625, A replaced by C.
Protein change: p.Asn209His; replaces asparagine 209 with histidine.
Molecular consequence: missense variant.
Genome position (GRCh38, 1-based): chr1:158,845,641, A>C. VCF-style: chr1-158845641-A-C. GRCh37 (hg19) VCF-style: chr1-158815431-A-C.
Other names: short protein forms N209H.
Identifiers: ClinVar variation 1752469 (VCV001752469.2), dbSNP rs2102051771, ClinGen allele CA343040814.
Genomic context (GRCh38, chr1:158,845,641, plus strand): 5'-ACACAGAATCAGGAAACCCAGGCCCAACGGCAGGTGGATGCAAGAAGAAATGTTCCCCAA[A>C]ACGACCCAGTGACAGTGGTGGTACTGAAAGCAACAGCGCCATTTAAATACGAGTCCCCAG-3'
Protein context (NP_002423.1, residues 199-219): QVDARRNVPQ[Asn209His]DPVTVVVLKA